The following is an entry in ClinVar:

ClinVar aggregate classification (germline): Pathogenic (1 of 4 stars; one submission).

Conditions:
Neurofibromatosis, type 1 (NF1). Also called: VON RECKLINGHAUSEN DISEASE; Peripheral type neurofibromatosis; Neurofibromatosis, type I; NEUROFIBROMATOSIS, TYPE I, SOMATIC. Identifiers: Orphanet 636, MedGen C0027831, MONDO:0018975, OMIM 162200. Disease mechanism: loss of function.

Submission:

Labcorp Genetics (formerly Invitae), Labcorp
Classification: Pathogenic for Neurofibromatosis, type 1. Last evaluated: 2022-12-01. Review status: criteria provided, single submitter. Criteria: Invitae Variant Classification Sherloc (09022015). Collection method: clinical testing. Allele origin: germline.
Comment: For these reasons, this variant has been classified as Pathogenic. This variant has not been reported in the literature in individuals affected with NF1-related conditions. This variant is not present in population databases (gnomAD no frequency). This sequence change creates a premature translational stop signal (p.Met2353Argfs*22) in the NF1 gene. It is expected to result in an absent or disrupted protein product. Loss-of-function variants in NF1 are known to be pathogenic (PMID: 10712197, 23913538).

Literature cited by the submitters: PubMed 10712197; PubMed 23913538.

NM_001042492.3(NF1):c.7121del (p.Met2374fs)

Gene: NF1 (neurofibromin 1; plus strand). Cytogenetic location: 17q11.2.
Variant type: Deletion.
Coding change: c.7121del on transcript NM_001042492.3 (MANE Select); coding-DNA position 7121, one base deleted (T; older notation c.7121delT).
Protein change: p.Met2374fs; shifts the reading frame from methionine 2374.
Molecular consequence: frameshift variant.
Genome position (GRCh38, 1-based): chr17:31,343,067, T deleted. VCF-style (leftmost placement, unchanged base first): chr17-31343066-AT-A. GRCh37 (hg19) VCF-style: chr17-29670084-AT-A.
Other names: c.7058delT, p.Met2353Argfs (NM_000267.4); short protein forms M2353fs, M2374fs.
Identifiers: ClinVar variation 2817761 (VCV002817761.3), dbSNP rs2508779836, ClinGen allele CA2739265559.